The following is an entry in ClinVar:

ClinVar aggregate classification (germline): Uncertain significance. Review status: criteria provided, multiple submitters, no conflicts (2 of 4 stars). 2 submissions from 2 submitters: Uncertain significance (2). Last evaluated 2022-02-08.

Submissions (2):

Labcorp Genetics (formerly Invitae), Labcorp
Classification: Uncertain significance. Last evaluated: 2022-02-08. Review status: criteria provided, single submitter. Criteria: Invitae Variant Classification Sherloc (09022015). Collection method: clinical testing. Allele origin: germline.
Comment: This sequence change replaces serine, which is neutral and polar, with asparagine, which is neutral and polar, at codon 780 of the UNC80 protein (p.Ser780Asn). This variant is not present in population databases (gnomAD no frequency). This variant has not been reported in the literature in individuals affected with UNC80-related conditions. Algorithms developed to predict the effect of missense changes on protein structure and function output the following: SIFT: "Not Available"; PolyPhen-2: "Benign"; Align-GVGD: "Not Available". The asparagine amino acid residue is found in multiple mammalian species, which suggests that this missense change does not adversely affect protein function. In summary, the available evidence is currently insufficient to determine the role of this variant in disease. Therefore, it has been classified as a Variant of Uncertain Significance.

Breakthrough Genomics
Classification: Uncertain significance. Review status: criteria provided, single submitter. Criteria: ACMG Guidelines, 2015. Collection method: not provided. Allele origin: germline. Inheritance: Autosomal recessive inheritance. Affected: yes.

NM_001371986.1(UNC80):c.2339G>A (p.Ser780Asn)

Gene: UNC80 (unc-80 subunit of NALCN channel complex; plus strand). Cytogenetic location: 2q34.
Variant type: single nucleotide variant.
Coding change: c.2339G>A on transcript NM_001371986.1 (MANE Select); coding-DNA position 2339, G replaced by A.
Protein change: p.Ser780Asn; replaces serine 780 with asparagine.
Molecular consequence: missense variant.
Genome position (GRCh38, 1-based): chr2:209,825,914, G>A. VCF-style: chr2-209825914-G-A. GRCh37 (hg19) VCF-style: chr2-210690638-G-A.
Other names: c.2339G>A, p.Ser780Asn (NM_032504.2, NM_182587.4); short protein forms S780N.
Identifiers: ClinVar variation 1447285 (VCV001447285.7), dbSNP rs2153828195, ClinGen allele CA350137187.
Genomic context (GRCh38, chr2:209,825,914, plus strand): 5'-CCTCAGTGACAAAGTAAACAGACTTTTCTTTCTTTCTCATTCGTGGGTACCAGGATGAAA[G>A]TACACCTGTAAGCAACCATAGGCTTGCTCTAACAATGCTCATCAAAATAGTGAAGTCTTT-3'
Protein context (NP_001358915.1, residues 770-790): KNDKNQEKDE[Ser780Asn]TPVSNHRLAL